The following is an entry in ClinVar:

NM_001006658.3(CR2):c.445+88G>T

Gene: CR2 (complement C3d receptor 2; plus strand). Cytogenetic location: 1q32.2.
Variant type: single nucleotide variant.
Coding change: c.445+88G>T on transcript NM_001006658.3 (MANE Select); 88 bases into the intron after coding-DNA position 445, G replaced by T.
Molecular consequence: intron variant.
Genome position (GRCh38, 1-based): chr1:207,467,000, G>T. VCF-style: chr1-207467000-G-T. GRCh37 (hg19) VCF-style: chr1-207640345-G-T.
Other names: c.445+88G>T (NM_001877.5).
Identifiers: ClinVar variation 1230919 (VCV001230919.6), dbSNP rs1032980, ClinGen allele CA10699518.

ClinVar aggregate classification (germline): Benign. Review status: criteria provided, multiple submitters, no conflicts (2 of 4 stars). 3 submissions from 3 submitters: Benign (3). Last evaluated 2024-01-24.

Allele frequency attached by ClinVar (database versions not stated): gnomAD 0.67587 and 0.68185; TOPMed 0.67741; 1000 Genomes Project 30x 0.72205; 1000 Genomes Project 0.72983.

Submissions (3):

Unidad de Genómica Garrahan, Hospital de Pediatría Garrahan
Classification: Benign. Last evaluated: 2024-01-24. Review status: criteria provided, single submitter. Criteria: ACMG Guidelines, 2015. Collection method: clinical testing. Allele origin: germline. Affected: no. Observed: 74 variant alleles.
Comment: This variant is classified as Benign based on local population frequency. This variant was detected in 78% of patients studied by a panel of primary immunodeficiencies. Number of patients: 74. Only high quality variants are reported.

GeneDx
Classification: Benign. Last evaluated: 2018-11-10. Review status: criteria provided, single submitter. Criteria: GeneDx Variant Classification Process June 2021. Collection method: clinical testing. Allele origin: germline. Affected: yes.

Breakthrough Genomics
Classification: Benign. Review status: criteria provided, single submitter. Criteria: ACMG Guidelines, 2015. Collection method: not provided. Allele origin: germline. Inheritance: Autosomal recessive inheritance. Affected: yes.